The following is an entry in ClinVar:

ClinVar aggregate classification (germline): Uncertain significance. Review status: criteria provided, multiple submitters, no conflicts (2 of 4 stars). 2 submissions from 2 submitters: Uncertain significance (2). Last evaluated 2025-07-31.

Conditions:
Hereditary cancer-predisposing syndrome. Also called: Hereditary Cancer Syndrome; Hereditary neoplastic syndrome; Neoplastic Syndromes, Hereditary; Tumor predisposition. Identifiers: Orphanet 140162, MedGen C0027672, MeSH D009386, MONDO:0015356.
Familial cancer of breast. Also called: Hereditary breast cancer; BREAST CANCER, FAMILIAL; hereditary breast carcinoma. Identifiers: Orphanet 227535, MedGen C0346153, MONDO:0016419, OMIM 114480. Disease mechanism: loss of function.

Submissions (2):

Labcorp Genetics (formerly Invitae), Labcorp
Classification: Uncertain significance for Familial cancer of breast. Last evaluated: 2025-07-31. Review status: criteria provided, single submitter. Criteria: Invitae Variant Classification Sherloc (09022015). Collection method: clinical testing. Allele origin: germline.
Comment: This sequence change replaces lysine, which is basic and polar, with arginine, which is basic and polar, at codon 142 of the CHEK2 protein (p.Lys142Arg). This variant is not present in population databases (gnomAD no frequency). This variant has not been reported in the literature in individuals affected with CHEK2-related conditions. ClinVar contains an entry for this variant (Variation ID: 1739146). An algorithm developed to predict the effect of missense changes on protein structure and function (PolyPhen-2) suggests that this variant is likely to be tolerated. In summary, the available evidence is currently insufficient to determine the role of this variant in disease. Therefore, it has been classified as a Variant of Uncertain Significance.

Ambry Genetics
Classification: Uncertain significance for Hereditary cancer-predisposing syndrome. Last evaluated: 2021-07-02. Review status: criteria provided, single submitter. Criteria: Ambry Variant Classification Scheme 2023. Collection method: clinical testing. Allele origin: germline.
Comment: The p.K142R variant (also known as c.425A>G), located in coding exon 2 of the CHEK2 gene, results from an A to G substitution at nucleotide position 425. The lysine at codon 142 is replaced by arginine, an amino acid with highly similar properties. This amino acid position is conserved. In addition, the in silico prediction for this alteration is inconclusive. Since supporting evidence is limited at this time, the clinical significance of this alteration remains unclear.

NM_007194.4(CHEK2):c.425A>G (p.Lys142Arg)

Gene: CHEK2 (checkpoint kinase 2; minus strand). Cytogenetic location: 22q12.1.
Variant type: single nucleotide variant.
Coding change: c.425A>G on transcript NM_007194.4 (MANE Select); coding-DNA position 425, A replaced by G.
Protein change: p.Lys142Arg; replaces lysine 142 with arginine.
Molecular consequence: missense variant.
Genome position (GRCh38, 1-based): chr22:28,725,262, T>C on the plus strand (A>G on the coding strand, the complement: CHEK2 is on the minus strand). VCF-style: chr22-28725262-T-C. GRCh37 (hg19) VCF-style: chr22-29121250-T-C.
Other names: c.554A>G, p.Lys185Arg (NM_001005735.3); c.-353A>G (NM_001257387.3); c.425A>G, p.Lys142Arg (NM_001349956.3, NM_145862.3); short protein forms K142R, K185R.
Identifiers: ClinVar variation 1739146 (VCV001739146.5), dbSNP rs2146067225, ClinGen allele CA411107926.
Genomic context (GRCh38, chr22:28,725,262, plus strand): 5'-AATTACCAGCTCTCCTAGATACATGGGTATTCATTACCTACCCTGAAAATCCGAAAGTGT[T>C]TCTTGCTGTATGTTCGGTATTTATCTGTTCTTTTCAGCAGTGGTTCATCAAAGCAATATT-3'
Protein context (NP_009125.1, residues 132-152): RTDKYRTYSK[Lys142Arg]HFRIFREVGP